The following is an entry in ClinVar:

NM_001267550.2(TTN):c.106117C>T (p.Gln35373Ter)

Genes: TTN-AS1 (TTN antisense RNA 1; plus strand), TTN (titin; minus strand), LOC129935182 (ATAC-STARR-seq lymphoblastoid active region 16807; plus strand). Cytogenetic location: 2q31.2.
Variant type: single nucleotide variant.
Coding change: c.106117C>T on transcript NM_001267550.2 (MANE Select); coding-DNA position 106117, C replaced by T.
Protein change: p.Gln35373Ter; replaces glutamine 35373 with a stop codon.
Molecular consequence: nonsense.
Genome position (GRCh38, 1-based): chr2:178,530,498, G>A on the plus strand (C>T on the coding strand, the complement: TTN is on the minus strand). VCF-style: chr2-178530498-G-A. GRCh37 (hg19) VCF-style: chr2-179395225-G-A.
Other names: c.101194C>T, p.Gln33732Ter (NM_001256850.1); c.78922C>T, p.Gln26308Ter (NM_003319.4); c.98413C>T, p.Gln32805Ter (NM_133378.4); c.79297C>T, p.Gln26433Ter (NM_133432.3); c.79498C>T, p.Gln26500Ter (NM_133437.4); short protein forms Q26433*, Q32805*, Q26308*, Q35373*, Q26500*, Q33732*.
Identifiers: ClinVar variation 1471451 (VCV001471451.6), dbSNP rs778126842, ClinGen allele CA349406998.

ClinVar aggregate classification (germline): Likely pathogenic (1 of 4 stars; one submission).

Conditions:
Dilated cardiomyopathy 1G (CMD1G). Identifiers: Orphanet 154, MedGen C1858763, MONDO:0011400, OMIM 604145.
Autosomal recessive limb-girdle muscular dystrophy type 2J (LGMDR10). Also called: Limb-girdle muscular dystrophy, type 2J; MUSCULAR DYSTROPHY, LIMB-GIRDLE, AUTOSOMAL RECESSIVE 10. Identifiers: Orphanet 140922, MedGen C1837342, MONDO:0012127, OMIM 608807.

Submission:

Labcorp Genetics (formerly Invitae), Labcorp
Classification: Likely pathogenic for Dilated cardiomyopathy 1G; Autosomal recessive limb-girdle muscular dystrophy type 2J. Last evaluated: 2023-12-06. Review status: criteria provided, single submitter. Criteria: Invitae Variant Classification Sherloc (09022015). Collection method: clinical testing. Allele origin: germline.
Comment: This sequence change creates a premature translational stop signal (p.Gln35373*) in the TTN gene. While this is not anticipated to result in nonsense mediated decay, it is expected to create a truncated TTN protein. This variant is not present in population databases (gnomAD no frequency). This variant has not been reported in the literature in individuals affected with TTN-related conditions. ClinVar contains an entry for this variant (Variation ID: 1471451). This variant is located in the M band of TTN (PMID: 25589632). Truncating variants in this region have been previously reported in individuals affected with autosomal recessive myopathy and muscular dystrophy (PMID: 18948003, 23975875, 24395473). Truncating variants in this region have also been identified in individuals affected with autosomal dominant dilated cardiomyopathy and/or cardio-related conditions (PMID: 27869827, 32964742). In summary, the currently available evidence indicates that the variant is pathogenic, but additional data are needed to prove that conclusively. Therefore, this variant has been classified as Likely Pathogenic.

Literature cited by the submitters: PubMed 25589632; PubMed 18948003; PubMed 23975875; PubMed 24395473; PubMed 27869827; PubMed 32964742.